The following is an entry in ClinVar:

NM_000548.5(TSC2):c.1473G>C (p.Ser491=)

Gene: TSC2 (TSC complex subunit 2; plus strand). Cytogenetic location: 16p13.3.
Variant type: single nucleotide variant.
Coding change: c.1473G>C on transcript NM_000548.5 (MANE Select); coding-DNA position 1473, G replaced by C.
Protein change: p.Ser491=; no amino-acid change (serine 491 retained).
Molecular consequence: synonymous variant. On other transcripts: 5 prime UTR variant (1), non-coding transcript variant (5).
Genome position (GRCh38, 1-based): chr16:2,064,301, G>C. VCF-style: chr16-2064301-G-C. GRCh37 (hg19) VCF-style: chr16-2114302-G-C.
Other names: c.1473G>C, p.Ser491= (NM_001077183.3, NM_001114382.3, NM_001363528.2 and 6 more transcripts); c.1362G>C, p.Ser454= (NM_001318827.2, NM_001406670.1, NM_001406678.1); c.1326G>C, p.Ser442= (NM_001318829.2, NM_001406675.1, NM_001406676.1 and 1 more transcripts); c.873G>C, p.Ser291= (NM_001318831.2, NM_001406680.1, NM_001406682.1 and 6 more transcripts); c.1506G>C, p.Ser502= (NM_001318832.2); c.1563G>C, p.Ser521= (NM_001406667.1, NM_001406668.1); c.1461G>C, p.Ser487= (NM_001406671.1, NM_001406673.1); c.1416G>C, p.Ser472= (NM_001406677.1); and 3 more.
Identifiers: ClinVar variation 1773414 (VCV001773414.5), dbSNP rs764767361, ClinGen allele CA492962867.
Genomic context (GRCh38, chr16:2,064,301, plus strand): 5'-GCGCTCATTGGCCTCCCTTGTGCCTGTGCAGGAGGAGCTGATTAACTCAGTGGTCATCTC[G>C]CAGCTCTCCCACATCCCCGAGGATAAAGACCACCAGGTCCGAAAGCTGGCCACCCAGTTG-3'
Protein context (NP_000539.2, residues 481-501): EEELINSVVI[Ser491=]QLSHIPEDKD

ClinVar aggregate classification (germline): Benign/Likely benign. Review status: criteria provided, multiple submitters, no conflicts (2 of 4 stars). 3 submissions from 3 submitters: Benign (1); Likely benign (2). Last evaluated 2025-05-14.

Conditions:
Hereditary cancer-predisposing syndrome. Also called: Tumor predisposition; Neoplastic Syndromes, Hereditary; Hereditary Cancer Syndrome; Hereditary neoplastic syndrome. Identifiers: Orphanet 140162, MedGen C0027672, MeSH D009386, MONDO:0015356.
Tuberous sclerosis 2 (TSC2). Identifiers: Orphanet 805, MedGen C1860707, MONDO:0013199, OMIM 613254.

Submissions (3):

Myriad Genetics, Inc.
Classification: Benign for Tuberous sclerosis 2. Last evaluated: 2025-05-14. Review status: criteria provided, single submitter. Criteria: Myriad Autosomal Dominant, Autosomal Recessive and X-Linked Classification Criteria (2023). Collection method: clinical testing. Allele origin: unknown.
Comment: This variant is considered benign. This variant is a silent/synonymous amino acid change and it is not expected to impact splicing.

Labcorp Genetics (formerly Invitae), Labcorp
Classification: Likely benign for Tuberous sclerosis 2. Last evaluated: 2024-08-31. Review status: criteria provided, single submitter. Criteria: Invitae Variant Classification Sherloc (09022015). Collection method: clinical testing. Allele origin: germline.

Ambry Genetics
Classification: Likely benign for Hereditary cancer-predisposing syndrome. Last evaluated: 2020-02-19. Review status: criteria provided, single submitter. Criteria: Ambry Variant Classification Scheme 2023. Collection method: clinical testing. Allele origin: germline.